The following is an entry in ClinVar:

NM_170707.4(LMNA):c.1327G>A (p.Glu443Lys)

Gene: LMNA (lamin A/C; plus strand). Cytogenetic location: 1q22.
Variant type: single nucleotide variant.
Coding change: c.1327G>A on transcript NM_170707.4 (MANE Select); coding-DNA position 1327, G replaced by A.
Protein change: p.Glu443Lys; replaces glutamic acid 443 with lysine.
Molecular consequence: missense variant.
Genome position (GRCh38, 1-based): chr1:156,136,383, G>A. VCF-style: chr1-156136383-G-A. GRCh37 (hg19) VCF-style: chr1-156106174-G-A.
Other names: c.991G>A, p.Glu331Lys (NM_001257374.3); c.1084G>A, p.Glu362Lys (NM_001282624.2); c.1327G>A, p.Glu443Lys (NM_001282625.2, NM_001282626.2, NM_005572.4 and 1 more transcripts); short protein forms E443K, E331K, E362K.
Identifiers: ClinVar variation 629777 (VCV000629777.2), dbSNP rs1558132212, ClinGen allele CA342821985.
Genomic context (GRCh38, chr1:156,136,383, plus strand): 5'-TCCACTGAGAGCCGCAGCAGCTTCTCACAGCACGCACGCACTAGCGGGCGCGTGGCCGTG[G>A]AGGAGGTGGATGAGGAGGGCAAGTTTGTCCGGCTGCGCAACAAGTCCAATGAGGTAGGCT-3'
Protein context (NP_733821.1, residues 433-453): HARTSGRVAV[Glu443Lys]EVDEEGKFVR

ClinVar aggregate classification (germline): Uncertain significance (1 of 4 stars; one submission).

Conditions:
Cardiomyopathy (CMYO). Also called: Cardiomyopathies. Identifiers: Orphanet 167848, MedGen C0878544, MONDO:0004994, HP:0001638. Inheritance: Various modes of inheritance.

Submission:

Color Diagnostics, LLC DBA Color Health
Classification: Uncertain significance for Cardiomyopathy. Last evaluated: 2018-10-31. Review status: criteria provided, single submitter. Criteria: ACMG Guidelines, 2015. Collection method: clinical testing. Allele origin: germline.
Comment: Variant of Uncertain Significance due to insufficient evidence: This missense variant is located in the lamin tail domain of the LMNA protein that mediates protein and DNA binding. Computational prediction tools and conservation analyses are inconclusive regarding the impact of this variant on the protein function. Computational splicing tools suggest that this variant may not impact RNA splicing. To our knowledge, functional assays have not been performed for this variant. This variant has been reported in an individual affected with limb girdle muscular dystrophy (PMID: 28688748). This variant is rare in the general population and has been identified in 0/277264 chromosomes by the Genome Aggregation Database (gnomAD). Available evidence is insufficient to determine the pathogenicity of this variant conclusively.